The following is an entry in ClinVar:

ClinVar aggregate classification (germline): Uncertain significance (1 of 4 stars; one submission).

Submission:

Labcorp Genetics (formerly Invitae), Labcorp
Classification: Uncertain significance. Last evaluated: 2023-12-30. Review status: criteria provided, single submitter. Criteria: Invitae Variant Classification Sherloc (09022015). Collection method: clinical testing. Allele origin: germline.
Comment: This sequence change replaces proline, which is neutral and non-polar, with serine, which is neutral and polar, at codon 1543 of the POLE protein (p.Pro1543Ser). This variant is not present in population databases (gnomAD no frequency). This variant has not been reported in the literature in individuals affected with POLE-related conditions. Advanced modeling of protein sequence and biophysical properties (such as structural, functional, and spatial information, amino acid conservation, physicochemical variation, residue mobility, and thermodynamic stability) performed at Invitae indicates that this missense variant is not expected to disrupt POLE protein function with a negative predictive value of 80%. In summary, the available evidence is currently insufficient to determine the role of this variant in disease. Therefore, it has been classified as a Variant of Uncertain Significance.

NM_006231.4(POLE):c.4627C>T (p.Pro1543Ser)

Gene: POLE (DNA polymerase epsilon, catalytic subunit; minus strand). Cytogenetic location: 12q24.33.
Variant type: single nucleotide variant.
Coding change: c.4627C>T on transcript NM_006231.4 (MANE Select); coding-DNA position 4627, C replaced by T.
Protein change: p.Pro1543Ser; replaces proline 1543 with serine.
Molecular consequence: missense variant.
Genome position (GRCh38, 1-based): chr12:132,642,921, G>A on the plus strand (C>T on the coding strand, the complement: POLE is on the minus strand). VCF-style: chr12-132642921-G-A. GRCh37 (hg19) VCF-style: chr12-133219507-G-A.
Other names: short protein forms P1543S.
Identifiers: ClinVar variation 2706581 (VCV002706581.3), dbSNP rs758489411, ClinGen allele CA387379119.